The following is an entry in ClinVar:

ClinVar aggregate classification (germline): Uncertain significance (1 of 4 stars; one submission).

Conditions:
Noonan syndrome 1 (NS1). Also called: TURNER PHENOTYPE WITH NORMAL KARYOTYPE; FEMALE PSEUDO-TURNER SYNDROME; PTPN11-Related Noonan Syndrome. Identifiers: Orphanet 648, MedGen C4551602, MONDO:0008104, OMIM 163950. Disease mechanism: gain of function.

Submission:

St. Jude Molecular Pathology, St. Jude Children's Research Hospital
Classification: Uncertain significance for Noonan syndrome 1. Last evaluated: 2026-10-01. Review status: criteria provided, single submitter. Criteria: St. Jude Assertion Criteria 2020. Collection method: clinical testing. Allele origin: germline.
Comment: This variant is a gross duplication of the genomic region encompassing the promoter region and exon 1 of the PTPN11 gene. The 5’ end of this event is located upstream of the PTPN11 gene and the 3’ end of this event is confined to intron 1 of the PTPN11 gene. To our knowledge, duplications encompassing exon 1 of PTPN11 have not been reported in individuals with RASopathy conditions. In summary, this variant meets criteria to be classified as of uncertain significance.

NM_002834.5:c.-2615_14+9271dup

Gene: PTPN11 (protein tyrosine phosphatase non-receptor type 11; plus strand).
Variant type: Duplication.
Other names: c.-2615_14+9271dup (NM_002834.5).
Identifiers: ClinVar variation 5038371 (VCV005038371.1).